The following is an entry in ClinVar:

NM_000550.3(TYRP1):c.643C>G (p.His215Asp)

Gene: TYRP1 (tyrosinase related protein 1; plus strand). Cytogenetic location: 9p23.
Variant type: single nucleotide variant.
Coding change: c.643C>G on transcript NM_000550.3 (MANE Select); coding-DNA position 643, C replaced by G.
Protein change: p.His215Asp; replaces histidine 215 with aspartic acid.
Molecular consequence: missense variant.
Genome position (GRCh38, 1-based): chr9:12,695,772, C>G. VCF-style: chr9-12695772-C-G. GRCh37 (hg19) VCF-style: chr9-12695772-C-G.
Other names: short protein forms H215D.
Identifiers: ClinVar variation 870834 (VCV000870834.47), dbSNP rs1160525621, ClinGen allele CA372937946.
Genomic context (GRCh38, chr9:12,695,772, plus strand): 5'-TCAGTCAAAAAGACTTTCCTTGGGGTAGGACAGGAAAGCTTTGGTGAAGTGGATTTCTCT[C>G]ATGAGGGACCAGCTTTTCTCACATGGCACAGGTACCACCTCCTGCGTCTGGAGAAAGACA-3'
Protein context (NP_000541.1, residues 205-225): QESFGEVDFS[His215Asp]EGPAFLTWHR

ClinVar aggregate classification (germline): Conflicting classifications of pathogenicity. Review status: criteria provided, conflicting classifications (1 of 4 stars). 5 submissions from 5 submitters: Pathogenic (1); Likely pathogenic (2); Uncertain significance (2). Last evaluated 2025-01-01.

Conditions:
Oculocutaneous albinism type 3 (OCA3). Also called: Albinism, oculocutaneous, type III; Rufous OCA; Rufous albinism; RUFOUS OCULOCUTANEOUS ALBINISM; XANTHISM; ALBINISM III. Identifiers: Orphanet 79433, MedGen C0342683, MONDO:0008747, OMIM 203290.
MELANESIAN BLOND HAIR (SHEP11). Also called: SKIN/HAIR/EYE PIGMENTATION 11, BLUE/NONBLUE EYES; Skin/hair/eye pigmentation, variation in, 11. Identifiers: MedGen C2677086, OMIM 612271.

gnomAD v4.1: 5 of 1,614,138 alleles (0.00031%); highest among the groups gnomAD compares: Non-Finnish European, 0.00042%; no homozygotes.

Submissions (5):

Laboratory of Genetic Epidemiology, Research Centre for Medical Genetics
Classification: Likely pathogenic for MELANESIAN BLOND HAIR; Oculocutaneous albinism type 3. Last evaluated: 2025-01-01. Review status: criteria provided, single submitter. Criteria: ACMG Guidelines, 2015. Collection method: clinical testing. Allele origin: unknown. Inheritance: Autosomal recessive inheritance. Affected: yes. Observed: 1 heterozygote.
Comment: This variant has been previously reported in the literature (PMID: 21739261) and is listed in gnomAD v2.1.1 with allele frequency 0.00001 in Europe (1/68028). The affected amino acid position is evolutionarily conserved, and multiple in silico prediction tools support a deleterious effect. We assume that this variant is highly likely to be in trans-position with the likely pathogenic variant NM_000550.3:c.1133A>G, p.(Asn378Ser) in proband; therefore, based on the literature (PMID: 30311386), we apply the ACMG pathogenic criterion PM3 Supporting. Taken together, the variant meets the following ACMG/AMP criteria and can be classified as likely pathogenic with PM2, PP3, PM3, PP5, PP4 criteria.

Institute of Human Genetics, University of Goettingen
Classification: Likely pathogenic for Oculocutaneous albinism type 3. Last evaluated: 2024-08-22. Review status: criteria provided, single submitter. Criteria: ACMG Guidelines, 2015. Collection method: clinical testing. Allele origin: unknown. Inheritance: Autosomal recessive inheritance. Affected: yes. Observed: 1 compound heterozygote.
Comment: The variant c.643 (p.(His215Asp)) in exon 3 of the TYRP1-gene is found 5x in the gnomAD database, it affects a highly conserved nucleotide, and a highly conserved amino acid. There is a moderate physicochemical difference between His and Asp. This variant has a pathogenic computational verdict based on in silico prediction algorithms. ACMG criteria used for classification: PM5, PP4, PM2_sup, PP3_str, PM3.

Blueprint Genetics
Classification: Uncertain significance. Last evaluated: 2023-03-08. Review status: criteria provided, single submitter. Criteria: ACMG Guidelines, 2015. Collection method: clinical testing. Allele origin: germline.

Labcorp Genetics (formerly Invitae), Labcorp
Classification: Uncertain significance. Last evaluated: 2021-08-31. Review status: criteria provided, single submitter. Criteria: Invitae Variant Classification Sherloc (09022015). Collection method: clinical testing. Allele origin: germline.
Comment: This sequence change replaces histidine with aspartic acid at codon 215 of the TYRP1 protein (p.His215Asp). The histidine residue is highly conserved and there is a moderate physicochemical difference between histidine and aspartic acid. This variant is not present in population databases (ExAC no frequency). This variant has not been reported in the literature in individuals affected with TYRP1-related conditions. ClinVar contains an entry for this variant (Variation ID: 870834). Algorithms developed to predict the effect of missense changes on protein structure and function are either unavailable or do not agree on the potential impact of this missense change (SIFT: "Deleterious"; PolyPhen-2: "Probably Damaging"; Align-GVGD: "Class C0"). In summary, the available evidence is currently insufficient to determine the role of this variant in disease. Therefore, it has been classified as a Variant of Uncertain Significance.

CeGaT Center for Human Genetics Tuebingen
Classification: Pathogenic. Last evaluated: 2018-06-01. Review status: criteria provided, single submitter. Criteria: CeGaT Center For Human Genetics Tuebingen Variant Classification Criteria Version 2. Collection method: clinical testing. Allele origin: germline. Affected: yes. Observed: 1 variant allele.

Literature cited by the submitters: PubMed 41428507 (cited by Laboratory of Genetic Epidemiology, Research Centre for Medical Genetics).